The following is an entry in ClinVar:

ClinVar aggregate classification (germline): Uncertain significance. Review status: criteria provided, multiple submitters, no conflicts (2 of 4 stars). 3 submissions from 3 submitters: Uncertain significance (3). Last evaluated 2024-01-29.

Conditions:
Joubert syndrome 14 (JBTS14). Identifiers: MedGen C3280766, MONDO:0013745, OMIM 614424.
Inborn genetic diseases. Identifiers: MedGen C0950123, MeSH D030342.

Allele frequency attached by ClinVar (database versions not stated): gnomAD 0.00001; TOPMed 0.00001; ExAC 0.00003; gnomAD exomes 0.00003.
gnomAD v4.1: 34 of 1,613,808 alleles (0.0021%); highest among the groups gnomAD compares: Non-Finnish European, 0.0026%; no homozygotes.

Submissions (3):

Blueprint Genetics
Classification: Uncertain significance. Last evaluated: 2024-01-29. Review status: criteria provided, single submitter. Criteria: ACMG Guidelines, 2015. Collection method: clinical testing. Allele origin: germline.

Ambry Genetics
Classification: Uncertain significance for Inborn genetic diseases. Last evaluated: 2023-05-23. Review status: criteria provided, single submitter. Criteria: Ambry Variant Classification Scheme 2023. Collection method: clinical testing. Allele origin: germline.

Labcorp Genetics (formerly Invitae), Labcorp
Classification: Uncertain significance for Joubert syndrome 14. Last evaluated: 2021-09-16. Review status: criteria provided, single submitter. Criteria: Invitae Variant Classification Sherloc (09022015). Collection method: clinical testing. Allele origin: germline.
Comment: This sequence change replaces glutamine with lysine at codon 157 of the TMEM237 protein (p.Gln157Lys). The glutamine residue is moderately conserved and there is a small physicochemical difference between glutamine and lysine. This variant is present in population databases (rs762678333, ExAC 0.006%). This variant has not been reported in the literature in individuals affected with TMEM237-related conditions. Algorithms developed to predict the effect of missense changes on protein structure and function (SIFT, PolyPhen-2, Align-GVGD) all suggest that this variant is likely to be tolerated. In summary, the available evidence is currently insufficient to determine the role of this variant in disease. Therefore, it has been classified as a Variant of Uncertain Significance.

NM_001044385.3(TMEM237):c.469C>A (p.Gln157Lys)

Gene: TMEM237 (transmembrane protein 237; minus strand). Cytogenetic location: 2q33.1.
Variant type: single nucleotide variant.
Coding change: c.469C>A on transcript NM_001044385.3 (MANE Select); coding-DNA position 469, C replaced by A.
Protein change: p.Gln157Lys; replaces glutamine 157 with lysine.
Molecular consequence: missense variant.
Genome position (GRCh38, 1-based): chr2:201,632,135, G>T on the plus strand (C>A on the coding strand, the complement: TMEM237 is on the minus strand). VCF-style: chr2-201632135-G-T. GRCh37 (hg19) VCF-style: chr2-202496858-G-T.
Other names: c.445C>A, p.Gln149Lys (NM_152388.4); c.469C>A (NM_001044385.1); short protein forms Q149K, Q157K.
Identifiers: ClinVar variation 1504875 (VCV001504875.5), dbSNP rs762678333, ClinGen allele CA2056472.